The following is an entry in ClinVar:

NM_001001331.4(ATP2B2):c.639A>G (p.Ile213Met)

Gene: ATP2B2 (ATPase plasma membrane Ca2+ transporting 2; minus strand). Cytogenetic location: 3p25.3.
Variant type: single nucleotide variant.
Coding change: c.639A>G on transcript NM_001001331.4 (MANE Select); coding-DNA position 639, A replaced by G.
Protein change: p.Ile213Met; replaces isoleucine 213 with methionine.
Molecular consequence: missense variant.
Genome position (GRCh38, 1-based): chr3:10,402,107, T>C on the plus strand (A>G on the coding strand, the complement: ATP2B2 is on the minus strand). VCF-style: chr3-10402107-T-C. GRCh37 (hg19) VCF-style: chr3-10443791-T-C.
Other names: c.639A>G, p.Ile213Met (NM_001330611.3, NM_001353564.1, NM_001363862.1 and 1 more transcripts); short protein forms I213M.
Identifiers: ClinVar variation 3609829 (VCV003609829.2).

ClinVar aggregate classification (germline): Uncertain significance (1 of 4 stars; one submission).

gnomAD v4.1: 8 of 1,614,070 alleles (0.0005%); highest among the groups gnomAD compares: Admixed American, 0.012%; no homozygotes.

Submission:

Labcorp Genetics (formerly Invitae), Labcorp
Classification: Uncertain significance. Last evaluated: 2024-05-31. Review status: criteria provided, single submitter. Criteria: Invitae Variant Classification Sherloc (09022015). Collection method: clinical testing. Allele origin: germline.
Comment: This sequence change replaces isoleucine, which is neutral and non-polar, with methionine, which is neutral and non-polar, at codon 213 of the ATP2B2 protein (p.Ile213Met). This variant is present in population databases (rs751381940, gnomAD 0.02%). This variant has not been reported in the literature in individuals affected with ATP2B2-related conditions. Advanced modeling of protein sequence and biophysical properties (such as structural, functional, and spatial information, amino acid conservation, physicochemical variation, residue mobility, and thermodynamic stability) has been performed at Invitae for this missense variant, however the output from this modeling did not meet the statistical confidence thresholds required to predict the impact of this variant on ATP2B2 protein function. In summary, the available evidence is currently insufficient to determine the role of this variant in disease. Therefore, it has been classified as a Variant of Uncertain Significance.